The following is an entry in ClinVar:

NM_015178.3(RHOBTB2):c.1855G>A (p.Ala619Thr)

Gene: RHOBTB2 (Rho related BTB domain containing 2; plus strand). Cytogenetic location: 8p21.3.
Variant type: single nucleotide variant.
Coding change: c.1855G>A on transcript NM_015178.3 (MANE Select); coding-DNA position 1855, G replaced by A.
Protein change: p.Ala619Thr; replaces alanine 619 with threonine.
Molecular consequence: missense variant.
Genome position (GRCh38, 1-based): chr8:23,014,773, G>A. VCF-style: chr8-23014773-G-A. GRCh37 (hg19) VCF-style: chr8-22872286-G-A.
Other names: c.1921G>A, p.Ala641Thr (NM_001160036.2); c.1876G>A, p.Ala626Thr (NM_001160037.2); c.1855G>A, p.Ala619Thr (NM_001374791.1); short protein forms A619T, A626T, A641T.
Identifiers: ClinVar variation 2855707 (VCV002855707.3), dbSNP rs141836119, ClinGen allele CA4672791.

ClinVar aggregate classification (germline): Uncertain significance (1 of 4 stars; one submission).

Allele frequency attached by ClinVar (database versions not stated): gnomAD exomes below 0.00001; ExAC 0.00001; ESP Exome Variant Server 0.00008.
gnomAD v4.1: 1 of 1,613,564 alleles (0.000062%); highest among the groups gnomAD compares: South Asian, 0.0011%; no homozygotes.

Submission:

Labcorp Genetics (formerly Invitae), Labcorp
Classification: Uncertain significance. Last evaluated: 2023-12-09. Review status: criteria provided, single submitter. Criteria: Invitae Variant Classification Sherloc (09022015). Collection method: clinical testing. Allele origin: germline.
Comment: This sequence change replaces alanine, which is neutral and non-polar, with threonine, which is neutral and polar, at codon 641 of the RHOBTB2 protein (p.Ala641Thr). This variant is present in population databases (rs141836119, gnomAD 0.007%). This variant has not been reported in the literature in individuals affected with RHOBTB2-related conditions. Advanced modeling of protein sequence and biophysical properties (such as structural, functional, and spatial information, amino acid conservation, physicochemical variation, residue mobility, and thermodynamic stability) performed at Invitae indicates that this missense variant is not expected to disrupt RHOBTB2 protein function with a negative predictive value of 80%. In summary, the available evidence is currently insufficient to determine the role of this variant in disease. Therefore, it has been classified as a Variant of Uncertain Significance.